The following is an entry in ClinVar:

NM_000297.4(PKD2):c.341T>G (p.Met114Arg)

Genes: PKD2 (polycystin 2, transient receptor potential cation channel; plus strand), LOC129992813 (ATAC-STARR-seq lymphoblastoid silent region 15559; plus strand). Cytogenetic location: 4q22.1.
Variant type: single nucleotide variant.
Coding change: c.341T>G on transcript NM_000297.4 (MANE Select); coding-DNA position 341, T replaced by G.
Protein change: p.Met114Arg; replaces methionine 114 with arginine.
Molecular consequence: missense variant. On other transcripts: non-coding transcript variant (1).
Genome position (GRCh38, 1-based): chr4:88,008,074, T>G. VCF-style: chr4-88008074-T-G. GRCh37 (hg19) VCF-style: chr4-88929226-T-G.
Other names: short protein forms M114R.
Identifiers: ClinVar variation 2012207 (VCV002012207.4), dbSNP rs2476357873, ClinGen allele CA357626277.
Genomic context (GRCh38, chr4:88,008,074, plus strand): 5'-TCGAGGCCGAGGAGGAGGAGGAGGAGGTGGAAGGGGAAGAAGGCGGAATGGTGGTGGAGA[T>G]GGACGTAGAGTGGCGCCCGGGCAGCCGGAGGTCGGCCGCCTCCTCGGCCGTGAGCTCCGT-3'
Protein context (NP_000288.1, residues 104-124): EGEEGGMVVE[Met114Arg]DVEWRPGSRR

ClinVar aggregate classification (germline): Uncertain significance (1 of 4 stars; one submission).

Conditions:
Autosomal dominant polycystic kidney disease. Identifiers: Orphanet 730, MedGen C0085413, MONDO:0004691.

Submission:

Labcorp Genetics (formerly Invitae), Labcorp
Classification: Uncertain significance for Autosomal dominant polycystic kidney disease. Last evaluated: 2022-07-19. Review status: criteria provided, single submitter. Criteria: Invitae Variant Classification Sherloc (09022015). Collection method: clinical testing. Allele origin: germline.
Comment: In summary, the available evidence is currently insufficient to determine the role of this variant in disease. Therefore, it has been classified as a Variant of Uncertain Significance. Algorithms developed to predict the effect of missense changes on protein structure and function are either unavailable or do not agree on the potential impact of this missense change (SIFT: "Deleterious"; PolyPhen-2: "Possibly Damaging"; Align-GVGD: "Class C0"). This variant has not been reported in the literature in individuals affected with PKD2-related conditions. This variant is not present in population databases (gnomAD no frequency). This sequence change replaces methionine, which is neutral and non-polar, with arginine, which is basic and polar, at codon 114 of the PKD2 protein (p.Met114Arg).